The following is an entry in ClinVar:

ClinVar aggregate classification (germline): Benign. Review status: criteria provided, multiple submitters, no conflicts (2 of 4 stars). 3 submissions from 3 submitters: Benign (2). 1 of the submissions does not count toward it. Last evaluated 2018-06-25.

Conditions:
PTPRM-related disorder. Also called: PTPRM-related condition.

Allele frequency attached by ClinVar (database versions not stated): gnomAD exomes 0.00176 and 0.00456; ExAC 0.00579; ESP Exome Variant Server 0.01707; gnomAD 0.01732 and 0.01861; TOPMed 0.01941; 1000 Genomes Project 0.02216; 1000 Genomes Project 30x 0.02280.
gnomAD v4.1: 5,315 of 1,613,644 alleles (0.33%); highest among the groups gnomAD compares: African/African-American, 6.2%; 149 homozygotes.

Submissions (3):

Labcorp Genetics (formerly Invitae), Labcorp
Classification: Benign. Last evaluated: 2018-06-25. Review status: criteria provided, single submitter. Criteria: Invitae Variant Classification Sherloc (09022015). Collection method: clinical testing. Allele origin: germline.

Breakthrough Genomics
Classification: Benign. Review status: criteria provided, single submitter. Criteria: ACMG Guidelines, 2015. Collection method: not provided. Allele origin: germline. Inheritance: Unknown mechanism. Affected: yes.

PreventionGenetics, part of Exact Sciences
Classification: Benign for PTPRM-related condition. Last evaluated: 2020-01-06. Review status: no assertion criteria provided. Collection method: clinical testing. Allele origin: germline. Not counted in ClinVar's aggregate classification.
Comment: This variant is classified as benign based on ACMG/AMP sequence variant interpretation guidelines (Richards et al. 2015 PMID: 25741868, with internal and published modifications).

NM_001105244.2(PTPRM):c.1335G>A (p.Thr445=)

Gene: PTPRM (protein tyrosine phosphatase receptor type M; plus strand). Cytogenetic location: 18p11.23.
Variant type: single nucleotide variant.
Coding change: c.1335G>A on transcript NM_001105244.2 (MANE Select); coding-DNA position 1335, G replaced by A.
Protein change: p.Thr445=; no amino-acid change (threonine 445 retained).
Molecular consequence: synonymous variant.
Genome position (GRCh38, 1-based): chr18:8,069,888, G>A. VCF-style: chr18-8069888-G-A. GRCh37 (hg19) VCF-style: chr18-8069886-G-A.
Other names: c.696G>A, p.Thr232= (NM_001378142.1, NM_001378143.1, NM_001378144.1 and 3 more transcripts); c.1335G>A, p.Thr445= (NM_002845.4).
Identifiers: ClinVar variation 777280 (VCV000777280.6), dbSNP rs115049981, ClinGen allele CA8884081.
Genomic context (GRCh38, chr18:8,069,888, plus strand): 5'-ACAAGAACAAGTGCGAGAAGAAGTAAGCTGGGATACAGAAAACTCACACCCTCAACACAC[G>A]ATCACTAACCTGTCACCATACACCAATGTCAGTGTGAAACTGATCCTCATGAACCCAGAG-3'
Protein context (NP_001098714.1, residues 435-455): WDTENSHPQH[Thr445=]ITNLSPYTNV